The following is an entry in ClinVar:

ClinVar aggregate classification (germline): Uncertain significance (1 of 4 stars; one submission).

Conditions:
Hereditary cancer-predisposing syndrome. Also called: Neoplastic Syndromes, Hereditary; Tumor predisposition; Hereditary Cancer Syndrome; Hereditary neoplastic syndrome. Identifiers: Orphanet 140162, MedGen C0027672, MeSH D009386, MONDO:0015356.

Submission:

Ambry Genetics
Classification: Uncertain significance for Hereditary cancer-predisposing syndrome. Last evaluated: 2018-04-25. Review status: criteria provided, single submitter. Criteria: Ambry Variant Classification Scheme 2023. Collection method: clinical testing. Allele origin: germline.
Comment: The p.S558F variant (also known as c.1673C>T), located in coding exon 14 of the MRE11A gene, results from a C to T substitution at nucleotide position 1673. The serine at codon 558 is replaced by phenylalanine, an amino acid with highly dissimilar properties. This amino acid position is well conserved in available vertebrate species. In addition, this alteration is predicted to be tolerated by in silico analysis. Since supporting evidence is limited at this time, the clinical significance of this alteration remains unclear.

NM_005591.4(MRE11):c.1673C>T (p.Ser558Phe)

Gene: MRE11 (MRE11 double strand break repair nuclease; minus strand). Cytogenetic location: 11q21.
Variant type: single nucleotide variant.
Coding change: c.1673C>T on transcript NM_005591.4 (MANE Select); coding-DNA position 1673, C replaced by T.
Protein change: p.Ser558Phe; replaces serine 558 with phenylalanine.
Molecular consequence: missense variant.
Genome position (GRCh38, 1-based): chr11:94,447,329, G>A on the plus strand (C>T on the coding strand, the complement: MRE11 is on the minus strand). VCF-style: chr11-94447329-G-A. GRCh37 (hg19) VCF-style: chr11-94180495-G-A.
Other names: c.1673C>T, p.Ser558Phe (NM_001330347.2, NM_005590.4); short protein forms S558F.
Identifiers: ClinVar variation 819795 (VCV000819795.4), dbSNP rs776688385, ClinGen allele CA382368382.